The following is an entry in ClinVar:

NM_005670.4(EPM2A):c.43_159del (p.Gly15_Ala53del)

Genes: EPM2A (EPM2A glucan phosphatase, laforin; minus strand), EPM2A-DT (EPM2A divergent transcript; plus strand), LOC129997381 (ATAC-STARR-seq lymphoblastoid silent region 17642; plus strand). Cytogenetic location: 6q24.3.
Variant type: Deletion.
Coding change: c.43_159del on transcript NM_005670.4 (MANE Select); coding-DNA positions 43 to 159, 117 bases deleted.
Protein change: p.Gly15_Ala53del.
Molecular consequence: inframe deletion. On other transcripts: 5 prime UTR variant (3), intron variant (1).
Genome position (GRCh38, 1-based): chr6:145,735,340-145,735,456, 117 bases deleted. GRCh37 (hg19): chr6:146,056,481-146,056,597.
Other names: c.43_159del, p.Gly15_Ala53del (NM_001018041.2, NM_001360057.2, NM_001368130.1); c.-627_-511del (NM_001360071.2); c.-581_-465del (NM_001368129.2); c.-325_-209del (NM_001368131.1); c.-114+452_-114+568del (NM_001360064.2).
Identifiers: ClinVar variation 3776209 (VCV003776209.1).

ClinVar aggregate classification (germline): Pathogenic (1 of 4 stars; one submission).

Conditions:
Myoclonic epilepsy of Lafora 1 (MELF1). Also called: EPILEPSY, PROGRESSIVE MYOCLONIC, 2A; LAFORA DISEASE 1; Epilepsy, progressive myoclonic 2A (Lafora); EPM2A-Related Lafora Disease. Identifiers: MedGen CN377204, MONDO:0958199, OMIM 254780.

Submission:

3billion
Classification: Pathogenic for Myoclonic epilepsy of Lafora 1. Last evaluated: 2023-09-20. Review status: criteria provided, single submitter. Criteria: ACMG Guidelines, 2015. Collection method: clinical testing. Allele origin: germline. Affected: yes.
Comment: The variant is not observed in the gnomAD v2.1.1 dataset. Predicted Consequence/location: Inframe deletion located in a nonrepeat region - predicted to change the length of the protein and disrupt normal protein function. Regardless of the mechanism, a variant called homozygous is by default in trans. Therefore, this variant is classified as pathogenic according to the recommendation of ACMG/AMP guideline.